The following is an entry in ClinVar:

NM_001375808.2(LPIN2):c.2625G>A (p.Pro875=)

Gene: LPIN2 (lipin 2; minus strand). Cytogenetic location: 18p11.31.
Variant type: single nucleotide variant.
Coding change: c.2625G>A on transcript NM_001375808.2 (MANE Select); coding-DNA position 2625, G replaced by A.
Protein change: p.Pro875=; no amino-acid change (proline 875 retained).
Molecular consequence: synonymous variant.
Genome position (GRCh38, 1-based): chr18:2,920,359, C>T on the plus strand (G>A on the coding strand, the complement: LPIN2 is on the minus strand). VCF-style: chr18-2920359-C-T. GRCh37 (hg19) VCF-style: chr18-2920357-C-T.
Other names: c.2625G>A, p.Pro875= (NM_001375809.1, NM_014646.2).
Identifiers: ClinVar variation 234588 (VCV000234588.66), dbSNP rs187572602, ClinGen allele CA8872651.

ClinVar aggregate classification (germline): Conflicting classifications of pathogenicity. Review status: criteria provided, conflicting classifications (1 of 4 stars). 11 submissions from 11 submitters: Uncertain significance (2); Benign (1); Likely benign (5). 3 of the submissions do not count toward it. Last evaluated 2025-12-17.

Conditions:
Autoinflammatory syndrome. Identifiers: Orphanet 93665, MedGen C3890737, MONDO:0019751.
LPIN2-related disorder. Also called: LPIN2-related condition.
Majeed syndrome (MJDS). Also called: LPIN2-Related Majeed Syndrome; CHRONIC RECURRENT MULTIFOCAL OSTEOMYELITIS 1, WITH CONGENITAL DYSERYTHROPOIETIC ANEMIA, WITH OR WITHOUT NEUTROPHILIC DERMATOSIS. Identifiers: Orphanet 77297, MedGen C1864997, MONDO:0012316, OMIM 609628.

Allele frequency attached by ClinVar (database versions not stated): ESP Exome Variant Server 0.00015; gnomAD exomes 0.00016 and 0.00050; gnomAD 0.00025 and 0.00027; TOPMed 0.00034; ExAC 0.00053; 1000 Genomes Project 30x 0.00109; 1000 Genomes Project 0.00140.
gnomAD v4.1: 339 of 1,614,060 alleles (0.021%); highest among the groups gnomAD compares: East Asian, 0.36%; 3 homozygotes.

Submissions (12):

Labcorp Genetics (formerly Invitae), Labcorp
Classification: Benign for Majeed syndrome. Last evaluated: 2025-12-17. Review status: criteria provided, single submitter. Criteria: Invitae Variant Classification Sherloc (09022015). Collection method: clinical testing. Allele origin: germline.

CeGaT Center for Human Genetics Tuebingen
Classification: Likely benign. Last evaluated: 2025-10-01. Review status: criteria provided, single submitter. Criteria: CeGaT Center For Human Genetics Tuebingen Variant Classification Criteria Version 2. Collection method: clinical testing. Allele origin: germline. Affected: yes. Observed: 2 variant alleles.
Comment: LPIN2: BP4, BP7

Blueprint Genetics
Classification: Likely benign. Last evaluated: 2024-10-09. Review status: criteria provided, single submitter. Criteria: ACMG Guidelines, 2015. Collection method: clinical testing. Allele origin: germline.

ARUP Laboratories, Molecular Genetics and Genomics, ARUP Laboratories
Classification: Uncertain significance for Majeed syndrome. Last evaluated: 2024-05-15. Review status: criteria provided, single submitter. Criteria: ARUP Molecular Germline Variant Investigation Process 2024. Collection method: clinical testing. Allele origin: germline.
Comment: The LPIN2 c.2625G>A; p.Pro875= variant (rs187572602), to our knowledge, is not reported in the literature, but is reported in a database in an individual with autoinflammatory disease (see link below). The variant is listed in the ClinVar database (Variation ID: 234588) and is reported in the East Asian population with an allele frequency of 0.5% (108/19,940 alleles including 1 homozygote) in the Genome Aggregation Database (v2.1.1). This is a synonymous variant in a weakly conserved nucleotide, and computational analyses (Alamut v.2.11) predict that this variant may impact splicing by creating a novel cryptic acceptor splice site. While the high population frequency suggests that this is likely a benign variant, given the lack of clinical and functional data, the significance of the p.Pro875= variant is uncertain at this time. References: Link to Infevers database

Center for Genomics, Ann and Robert H. Lurie Children's Hospital of Chicago
Classification: Uncertain significance for Majeed syndrome. Last evaluated: 2021-03-30. Review status: criteria provided, single submitter. Criteria: ACMG Guidelines, 2015. Collection method: clinical testing. Allele origin: germline.
Comment: LPIN2 NM_014646.2 exon 20 p.Pro875= (c.2625G>A): This variant has not been reported in the literature but is present in 0.5% (102/18858) of East Asian alleles, including 1 homozygote, in the Genome Aggregation Database. This variant is present in ClinVar (Variation ID:234588). Evolutionary conservation and computational predictive tools for this variant are limited or unavailable. Of note, this variant is a silent variant and does not change the amino acid, reducing the probability that this variant is disease causing. However, splice prediction tools suggest that this variant may create a novel splice site; further studies are needed to understand its impact. In summary, data on this variant is insufficient for disease classification. Therefore, the clinical significance of this variant is uncertain.

Genome Diagnostics Laboratory, The Hospital for Sick Children
Classification: Likely benign for Autoinflammatory syndrome. Last evaluated: 2020-02-01. Review status: criteria provided, single submitter. Criteria: ACMG Guidelines, 2015. Collection method: clinical testing. Allele origin: germline. Affected: yes.

GeneDx
Classification: Likely benign. Last evaluated: 2019-04-29. Review status: criteria provided, single submitter. Criteria: GeneDx Variant Classification Process June 2021. Collection method: clinical testing. Allele origin: germline. Affected: yes.

Illumina Laboratory Services, Illumina
Classification: Likely benign for Majeed syndrome. Last evaluated: 2018-01-13. Review status: criteria provided, single submitter. Criteria: ICSL Variant Classification Criteria 13 December 2019. Collection method: clinical testing. Allele origin: germline.
Comment: This variant was observed in the ICSL laboratory as part of a predisposition screen in an ostensibly healthy population. It had not been previously curated by ICSL or reported in the Human Gene Mutation Database (HGMD: prior to June 1st, 2018), and was therefore a candidate for classification through an automated scoring system. Utilizing variant allele frequency, disease prevalence and penetrance estimates, and inheritance mode, an automated score was calculated to assess if this variant is too frequent to cause the disease. Based on the score and internal cut-off values, a variant classified as likely benign is not then subjected to further curation. The score for this variant resulted in a classification of likely benign for this disease.

PreventionGenetics, part of Exact Sciences
Classification: Likely benign for LPIN2-related condition. Last evaluated: 2021-07-03. Review status: no assertion criteria provided. Collection method: clinical testing. Allele origin: germline. Not counted in ClinVar's aggregate classification.
Comment: This variant is classified as likely benign based on ACMG/AMP sequence variant interpretation guidelines (Richards et al. 2015 PMID: 25741868, with internal and published modifications).

Clinical Genetics DNA and cytogenetics Diagnostics Lab, Erasmus MC, Erasmus Medical Center
Classification: Likely benign. Review status: no assertion criteria provided. Collection method: clinical testing. Allele origin: germline. Affected: yes. Study: VKGL Data-share Consensus. Not counted in ClinVar's aggregate classification.

Dr. Peter K. Rogan Lab, Western University
No classification provided (evidence only). Condition: Malignant tumor of urinary bladder. Review status: no classification provided. Collection method: in vitro. Allele origin: not applicable. Functional consequence: retained intron. Not counted in ClinVar's aggregate classification.

Laboratory of Diagnostic Genome Analysis, Leiden University Medical Center (LUMC)
Classification: Likely benign. Review status: no assertion criteria provided. Collection method: clinical testing. Allele origin: germline. Affected: yes. Study: VKGL Data-share Consensus. Not counted in ClinVar's aggregate classification.